The following is an entry in ClinVar:

ClinVar aggregate classification (germline): Pathogenic. Review status: criteria provided, single submitter (1 of 4 stars). 2 submissions from 2 submitters: Pathogenic (1). 1 of the submissions does not count toward it. Last evaluated 2025-03-17.

Conditions:
Mucopolysaccharidosis, MPS-III-C (MPS3C). Also called: SANFILIPPO SYNDROME C; MPS III C; MUCOPOLYSACCHARIDOSIS, TYPE IIIC; Mucopolysaccharidosis type IIIC (Sanfilippo C); MPS IIIC (Sanfilippo Syndrome Type C); mucopolysaccharidosis type 3C. Identifiers: Orphanet 581, Orphanet 79271, MedGen C0086649, MONDO:0009657, OMIM 252930.
Retinitis pigmentosa 73 (RP73). Identifiers: Orphanet 791, MedGen C4225287, MONDO:0014687, OMIM 616544.

gnomAD v4.1: 1 of 1,613,964 alleles (0.000062%); highest among the groups gnomAD compares: African/African-American, 0.0013%; no homozygotes.

Submissions (2):

Labcorp Genetics (formerly Invitae), Labcorp
Classification: Pathogenic for Retinitis pigmentosa 73; Mucopolysaccharidosis, MPS-III-C. Last evaluated: 2025-03-17. Review status: criteria provided, single submitter. Criteria: Invitae Variant Classification Sherloc (09022015). Collection method: clinical testing. Allele origin: germline.
Comment: This sequence change creates a premature translational stop signal (p.Tyr558*) in the HGSNAT gene. It is expected to result in an absent or disrupted protein product. Loss-of-function variants in HGSNAT are known to be pathogenic (PMID: 17033958, 19479962, 25859010). This variant is not present in population databases (gnomAD no frequency). This premature translational stop signal has been observed in individual(s) with mucopolysaccharidosis type IIIC (PMID: 19479962). ClinVar contains an entry for this variant (Variation ID: 553553). For these reasons, this variant has been classified as Pathogenic.

Counsyl
Classification: Likely pathogenic for Mucopolysaccharidosis, MPS-III-C. Last evaluated: 2017-08-31. Review status: no assertion criteria provided. Collection method: clinical testing. Allele origin: unknown. Not counted in ClinVar's aggregate classification.

Literature cited by the submitters: PubMed 17033958 (cited by Labcorp Genetics (formerly Invitae), Labcorp); PubMed 19479962 (cited by Labcorp Genetics (formerly Invitae), Labcorp and Counsyl); PubMed 25859010 (cited by Labcorp Genetics (formerly Invitae), Labcorp); PubMed 25525159 (cited by Counsyl).

NM_152419.3(HGSNAT):c.1674C>G (p.Tyr558Ter)

Gene: HGSNAT (heparan-alpha-glucosaminide N-acetyltransferase; plus strand). Cytogenetic location: 8p11.21.
Variant type: single nucleotide variant.
Coding change: c.1674C>G on transcript NM_152419.3 (MANE Select); coding-DNA position 1674, C replaced by G.
Protein change: p.Tyr558Ter; replaces tyrosine 558 with a stop codon.
Molecular consequence: nonsense.
Genome position (GRCh38, 1-based): chr8:43,197,900, C>G. VCF-style: chr8-43197900-C-G. GRCh37 (hg19) VCF-style: chr8-43053043-C-G.
Other names: c.1761C>G, p.Tyr587Ter (NM_001363227.2); c.1482C>G, p.Tyr494Ter (NM_001363228.2); c.810C>G, p.Tyr270Ter (NM_001363229.2); short protein forms Y558*, Y587*, Y270*, Y494*.
Identifiers: ClinVar variation 553553 (VCV000553553.5), dbSNP rs1554537841, ClinGen allele CA371120726.